The following is an entry in ClinVar:

ClinVar aggregate classification (germline): Uncertain significance. Review status: criteria provided, multiple submitters, no conflicts (2 of 4 stars). 4 submissions from 4 submitters: Uncertain significance (4). Last evaluated 2026-04-13.

Conditions:
Retinal dystrophy. Also called: Inherited retinal dystrophy. Identifiers: Orphanet 71862, MedGen C0854723, MeSH D058499, MONDO:0019118, HP:0000556.
ABCA4-related disorder. Also called: ABCA4-related condition; ABCA4-related disorders. Identifiers: MedGen CN239167.

Allele frequency attached by ClinVar (database versions not stated): 1000 Genomes Project 0.00020; ESP Exome Variant Server 0.00023; 1000 Genomes Project 30x 0.00031.

Submissions (4):

PreventionGenetics, part of Exact Sciences
Classification: Uncertain significance for ABCA4-related condition. Last evaluated: 2026-04-13. Review status: criteria provided, single submitter. Criteria: ACMG Guidelines, 2015. Collection method: clinical testing. Allele origin: germline.
Comment: The ABCA4 c.676C>T variant is predicted to result in the amino acid substitution p.Arg226Cys. To our knowledge, this variant has not been reported in the literature. This variant is reported in 0.024% of alleles in individuals of African descent in gnomAD. At this time, the clinical significance of this variant is uncertain due to the absence of conclusive functional and genetic evidence.

Blueprint Genetics
Classification: Uncertain significance. Last evaluated: 2024-09-06. Review status: criteria provided, single submitter. Criteria: ACMG Guidelines, 2015. Collection method: clinical testing. Allele origin: germline.

Labcorp Genetics (formerly Invitae), Labcorp
Classification: Uncertain significance. Last evaluated: 2024-02-26. Review status: criteria provided, single submitter. Criteria: Invitae Variant Classification Sherloc (09022015). Collection method: clinical testing. Allele origin: germline.
Comment: This sequence change replaces arginine, which is basic and polar, with cysteine, which is neutral and slightly polar, at codon 226 of the ABCA4 protein (p.Arg226Cys). This variant is present in population databases (rs149780335, gnomAD 0.02%). This variant has not been reported in the literature in individuals affected with ABCA4-related conditions. ClinVar contains an entry for this variant (Variation ID: 1500955). Advanced modeling of protein sequence and biophysical properties (such as structural, functional, and spatial information, amino acid conservation, physicochemical variation, residue mobility, and thermodynamic stability) performed at Invitae indicates that this missense variant is expected to disrupt ABCA4 protein function with a positive predictive value of 95%. In summary, the available evidence is currently insufficient to determine the role of this variant in disease. Therefore, it has been classified as a Variant of Uncertain Significance.

Dept Of Ophthalmology, Nagoya University
Classification: Uncertain significance for Retinal dystrophy. Last evaluated: 2023-10-01. Review status: criteria provided, single submitter. Criteria: Submitter's publication. Collection method: research. Allele origin: germline. Affected: yes.

NM_000350.3(ABCA4):c.676C>T (p.Arg226Cys)

Gene: ABCA4 (ATP binding cassette subfamily A member 4; minus strand). Cytogenetic location: 1p22.1.
Variant type: single nucleotide variant.
Coding change: c.676C>T on transcript NM_000350.3 (MANE Select); coding-DNA position 676, C replaced by T.
Protein change: p.Arg226Cys; replaces arginine 226 with cysteine.
Molecular consequence: missense variant.
Genome position (GRCh38, 1-based): chr1:94,098,886, G>A on the plus strand (C>T on the coding strand, the complement: ABCA4 is on the minus strand). VCF-style: chr1-94098886-G-A. GRCh37 (hg19) VCF-style: chr1-94564442-G-A.
Other names: c.676C>T (NM_000350.2); c.676C>T, p.Arg226Cys (NM_001425324.1); short protein forms R226C.
Identifiers: ClinVar variation 1500955 (VCV001500955.8), dbSNP rs149780335, ClinGen allele CA958768.